The following is an entry in ClinVar:

ClinVar aggregate classification (germline): Likely benign. Review status: criteria provided, multiple submitters, no conflicts (2 of 4 stars). 3 submissions from 3 submitters: Likely benign (3). Last evaluated 2025-06-25.

Conditions:
CACNA1D-related disorder.

Allele frequency attached by ClinVar (database versions not stated): ExAC 0.00001; gnomAD exomes 0.00001; gnomAD 0.00002; TOPMed 0.00002.
gnomAD v4.1: 17 of 1,613,534 alleles (0.0011%); highest among the groups gnomAD compares: Admixed American, 0.0033%; no homozygotes.

Submissions (3):

Labcorp Genetics (formerly Invitae), Labcorp
Classification: Likely benign. Last evaluated: 2025-06-25. Review status: criteria provided, single submitter. Criteria: Invitae Variant Classification Sherloc (09022015). Collection method: clinical testing. Allele origin: germline.

Laboratory of Genetics, Children's Clinical University Hospital Latvia
Classification: Likely benign. Last evaluated: 2025-02-16. Review status: criteria provided, single submitter. Criteria: ACMG Guidelines, 2015. Collection method: clinical testing. Allele origin: germline. Affected: yes.

PreventionGenetics, part of Exact Sciences
Classification: Likely benign for CACNA1D-related condition. Last evaluated: 2025-01-06. Review status: criteria provided, single submitter. Criteria: ACMG Guidelines, 2015. Collection method: clinical testing. Allele origin: germline.
Comment: This variant is classified as likely benign based on ACMG/AMP sequence variant interpretation guidelines (Richards et al. 2015 PMID: 25741868, with internal and published modifications).

NM_001128840.3(CACNA1D):c.1391-5C>T

Gene: CACNA1D (calcium voltage-gated channel subunit alpha1 D; plus strand). Cytogenetic location: 3p21.1.
Variant type: single nucleotide variant.
Coding change: c.1391-5C>T on transcript NM_001128840.3 (MANE Select); 5 bases into the intron before coding-DNA position 1391, C replaced by T.
Molecular consequence: intron variant.
Genome position (GRCh38, 1-based): chr3:53,718,296, C>T. VCF-style: chr3-53718296-C-T. GRCh37 (hg19) VCF-style: chr3-53752323-C-T.
Other names: c.1391-5C>T (NM_000720.3, NM_001128839.3, NM_000720.4).
Identifiers: ClinVar variation 2193832 (VCV002193832.6), dbSNP rs768792716, ClinGen allele CA2453938.
Genomic context (GRCh38, chr3:53,718,296, plus strand): 5'-CTGGCCTGCCTCCCAGGCGTGCAGTGTGCCCCGCATGCTCTCTGAAGCCCGTCTTCTCCC[C>T]ACAGCTAGCATGCCCACCAGCGAGACTGAGTCTGTGAACACAGAGAACGTCAGCGGTGAA-3'